The following is an entry in ClinVar:

ClinVar aggregate classification (germline): Uncertain significance (1 of 4 stars; one submission).

Submission:

Labcorp Genetics (formerly Invitae), Labcorp
Classification: Uncertain significance. Last evaluated: 2024-01-16. Review status: criteria provided, single submitter. Criteria: Invitae Variant Classification Sherloc (09022015). Collection method: clinical testing. Allele origin: germline.
Comment: This sequence change replaces alanine, which is neutral and non-polar, with threonine, which is neutral and polar, at codon 344 of the PTH1R protein (p.Ala344Thr). This variant is not present in population databases (gnomAD no frequency). This variant has not been reported in the literature in individuals affected with PTH1R-related conditions. Advanced modeling of protein sequence and biophysical properties (such as structural, functional, and spatial information, amino acid conservation, physicochemical variation, residue mobility, and thermodynamic stability) performed at Invitae indicates that this missense variant is expected to disrupt PTH1R protein function with a positive predictive value of 80%. In summary, the available evidence is currently insufficient to determine the role of this variant in disease. Therefore, it has been classified as a Variant of Uncertain Significance.

NM_000316.3(PTH1R):c.1030G>A (p.Ala344Thr)

Gene: PTH1R (parathyroid hormone 1 receptor; plus strand). Cytogenetic location: 3p21.31.
Variant type: single nucleotide variant.
Coding change: c.1030G>A on transcript NM_000316.3 (MANE Select); coding-DNA position 1030, G replaced by A.
Protein change: p.Ala344Thr; replaces alanine 344 with threonine.
Molecular consequence: missense variant.
Genome position (GRCh38, 1-based): chr3:46,901,066, G>A. VCF-style: chr3-46901066-G-A. GRCh37 (hg19) VCF-style: chr3-46942556-G-A.
Other names: c.1030G>A, p.Ala344Thr (NM_001184744.1); short protein forms A344T.
Identifiers: ClinVar variation 2699369 (VCV002699369.3), dbSNP rs1441849651, ClinGen allele CA352500809.